The following is an entry in ClinVar:

ClinVar aggregate classification (germline): Pathogenic (1 of 4 stars; one submission).

Conditions:
Wilson disease (WND). Also called: Wilson's disease. Identifiers: Orphanet 905, MedGen C0019202, MONDO:0010200, OMIM 277900. Disease mechanism: loss of function.

Submission:

Labcorp Genetics (formerly Invitae), Labcorp
Classification: Pathogenic for Wilson disease. Last evaluated: 2022-09-23. Review status: criteria provided, single submitter. Criteria: Invitae Variant Classification Sherloc (09022015). Collection method: clinical testing. Allele origin: germline.
Comment: For these reasons, this variant has been classified as Pathogenic. This variant has not been reported in the literature in individuals affected with ATP7B-related conditions. This sequence change creates a premature translational stop signal (p.Ile619Serfs*29) in the ATP7B gene. It is expected to result in an absent or disrupted protein product. Loss-of-function variants in ATP7B are known to be pathogenic (PMID: 10441329, 16283883). This variant is not present in population databases (gnomAD no frequency).

Literature cited by the submitters: PubMed 10441329; PubMed 16283883.

NM_000053.4(ATP7B):c.1855del (p.Ile619fs)

Gene: ATP7B (ATPase copper transporting beta; minus strand). Cytogenetic location: 13q14.3.
Variant type: Deletion.
Coding change: c.1855del on transcript NM_000053.4 (MANE Select); coding-DNA position 1855, one base deleted (A; older notation c.1855delA).
Protein change: p.Ile619fs; shifts the reading frame from isoleucine 619.
Molecular consequence: frameshift variant.
Genome position (GRCh38, 1-based): chr13:51,964,886, T deleted on the plus strand (A on the coding strand, the reverse complement: ATP7B is on the minus strand). VCF-style (leftmost placement, unchanged base first): chr13-51964885-AT-A. GRCh37 (hg19) VCF-style: chr13-52539021-AT-A.
Other names: c.1855del, p.Ile619fs (NM_001005918.3, NM_001330578.2, NM_001330579.2); c.1522del, p.Ile508fs (NM_001243182.2); c.1855delA, p.Ile619Serfs (NM_001406511.1, NM_001406512.1, NM_001406513.1 and 21 more transcripts); c.1822delA, p.Ile608Serfs (NM_001406514.1, NM_001406524.1); c.1759delA, p.Ile587Serfs (NM_001406517.1, NM_001406518.1, NM_001406530.1 and 3 more transcripts); c.1426delA, p.Ile476Serfs (NM_001406539.1); short protein forms I508fs, I619fs.
Identifiers: ClinVar variation 2030403 (VCV002030403.4), dbSNP rs2547752366, ClinGen allele CA2580087767.